The following is an entry in ClinVar:

NM_000530.8(MPZ):c.408_412dup (p.Lys138fs)

Gene: MPZ (myelin protein zero; minus strand). Cytogenetic location: 1q23.3.
Variant type: Duplication.
Coding change: c.408_412dup on transcript NM_000530.8 (MANE Select); coding-DNA positions 408 to 412, 5 bases duplicated (GGGCA; older notation c.408_412dupGGGCA).
Protein change: p.Lys138fs; shifts the reading frame from lysine 138.
Molecular consequence: frameshift variant.
Genome position (GRCh38, 1-based): chr1:161,306,744-161,306,748, TGCCC duplicated on the plus strand (GGGCA on the coding strand, the reverse complement: MPZ is on the minus strand). VCF-style (leftmost placement, unchanged base first): chr1-161306743-T-TTGCCC. GRCh37 (hg19) VCF-style: chr1-161276533-T-TTGCCC.
Other names: c.408_412dup, p.Lys138fs (NM_001315491.2); short protein forms K138fs.
Identifiers: ClinVar variation 4727710 (VCV004727710.1).

ClinVar aggregate classification (germline): Pathogenic (1 of 4 stars; one submission).

Conditions:
Charcot-Marie-Tooth disease, type I (CMT1). Also called: Charcot-Marie-Tooth disease type 1; Charcot-Marie-Tooth, Type 1. Identifiers: Orphanet 65753, MedGen C0751036, MONDO:0019011.

Submission:

Labcorp Genetics (formerly Invitae), Labcorp
Classification: Pathogenic for Charcot-Marie-Tooth disease, type I. Last evaluated: 2025-09-23. Review status: criteria provided, single submitter. Criteria: Invitae Variant Classification Sherloc (09022015). Collection method: clinical testing. Allele origin: germline.
Comment: This sequence change creates a premature translational stop signal (p.Lys138Argfs*26) in the MPZ gene. It is expected to result in an absent or disrupted protein product. Loss-of-function variants in MPZ are known to be pathogenic (PMID: 14711881). This variant is not present in population databases (gnomAD no frequency). This variant has not been reported in the literature in individuals affected with MPZ-related conditions. Algorithms developed to predict the effect of sequence changes on RNA splicing suggest that this variant may disrupt the consensus splice site. For these reasons, this variant has been classified as Pathogenic.

Literature cited by the submitters: PubMed 14711881.